The following is an entry in ClinVar:

NM_005427.4(TP73):c.1578+10G>A

Gene: TP73 (tumor protein p73; plus strand). Cytogenetic location: 1p36.32.
Variant type: single nucleotide variant.
Coding change: c.1578+10G>A on transcript NM_005427.4 (MANE Select); 10 bases into the intron after coding-DNA position 1578, G replaced by A.
Molecular consequence: intron variant.
Genome position (GRCh38, 1-based): chr1:3,731,566, G>A. VCF-style: chr1-3731566-G-A. GRCh37 (hg19) VCF-style: chr1-3648130-G-A.
Other names: c.1484+501G>A (NM_001204184.2); c.*1+10G>A (NM_001204185.2, NM_001126242.3); c.1335+501G>A (NM_001204187.2); c.1290+10G>A (NM_001204188.2); c.1197-1181G>A (NM_001204186.2); c.1431+10G>A (NM_001126240.3); c.1337+501G>A (NM_001126241.3); c.1188+501G>A (NM_001204190.2); and 3 more.
Identifiers: ClinVar variation 4979484 (VCV004979484.1).
Genomic context (GRCh38, chr1:3,731,566, plus strand): 5'-ACCTCCCAAGGGTTACAGAGCATTTACCACCTGCAGAACCTGACCATTGAGGTAACGCCC[G>A]GGTGGACCCCGCTCTGCAGAGGCAGTAGCTGGAGGGGCCCCTGTCCGGAGGGCAAAGAGC-3'

ClinVar aggregate classification (germline): Likely benign (1 of 4 stars; one submission).

Conditions:
TP73-related disorder. Also called: TP73-related condition.

gnomAD v4.1: 67 of 1,613,108 alleles (0.0042%); highest among the groups gnomAD compares: Admixed American, 0.043%; no homozygotes.

Submission:

PreventionGenetics, part of Exact Sciences
Classification: Likely benign for TP73-related condition. Last evaluated: 2026-09-08. Review status: criteria provided, single submitter. Criteria: ACMG Guidelines, 2015. Collection method: clinical testing. Allele origin: germline.
Comment: This variant is classified as likely benign based on ACMG/AMP sequence variant interpretation guidelines (Richards et al. 2015 PMID: 25741868, with internal and published modifications).